The following is an entry in ClinVar:

ClinVar aggregate classification (germline): Benign/Likely benign. Review status: criteria provided, multiple submitters, no conflicts (2 of 4 stars). 9 submissions from 7 submitters: Benign (5); Likely benign (4). Last evaluated 2026-01-27.

Conditions:
Elliptocytosis 2 (EL2). Also called: ELLIPTOCYTOSIS, RHESUS-UNLINKED TYPE. Identifiers: Orphanet 288, MedGen C1851741, MONDO:0007533, OMIM 130600.
Pyropoikilocytosis, hereditary. Also called: Pyropoikilocytosis. Identifiers: MedGen C0520739, MONDO:0009948, OMIM 266140, HP:0004839. Disease mechanism: loss of function.
Hereditary spherocytosis type 3. Also called: SPTA1-Related Spherocytosis; Spherocytosis type 3. Identifiers: Orphanet 822, MedGen C2678338, MONDO:0010053, OMIM 270970.

Allele frequency attached by ClinVar (database versions not stated): ESP Exome Variant Server 0.02105; gnomAD 0.02215 and 0.02089; 1000 Genomes Project 30x 0.02717; 1000 Genomes Project 0.02676; TOPMed 0.02333; ExAC 0.00675.
gnomAD v4.1: 6,662 of 1,613,928 alleles (0.41%); highest among the groups gnomAD compares: African/African-American, 7.2%; 194 homozygotes.

Submissions (9):

Labcorp Genetics (formerly Invitae), Labcorp
Classification: Benign. Last evaluated: 2026-01-27. Review status: criteria provided, single submitter. Criteria: Invitae Variant Classification Sherloc (09022015). Collection method: clinical testing. Allele origin: germline.

ARUP Laboratories, Molecular Genetics and Genomics, ARUP Laboratories
Classification: Benign. Last evaluated: 2025-06-13. Review status: criteria provided, single submitter. Criteria: ARUP Molecular Germline Variant Investigation Process 2024. Collection method: clinical testing. Allele origin: germline.

Fulgent Genetics
Classification: Likely benign for Elliptocytosis 2; Pyropoikilocytosis, hereditary; Hereditary spherocytosis type 3. Last evaluated: 2021-10-05. Review status: criteria provided, single submitter. Criteria: ACMG Guidelines, 2015. Collection method: clinical testing. Allele origin: unknown.

Mayo Clinic Laboratories, Mayo Clinic
Classification: Benign. Last evaluated: 2018-06-28. Review status: criteria provided, single submitter. Criteria: ACMG Guidelines, 2015. Collection method: clinical testing. Allele origin: germline. Observed: 96 variant alleles.

Illumina Laboratory Services, Illumina
Classification: Benign for Elliptocytosis 2. Last evaluated: 2018-01-13. Review status: criteria provided, single submitter. Criteria: ICSL Variant Classification Criteria 13 December 2019. Collection method: clinical testing. Allele origin: germline.
Comment: This variant was observed in the ICSL laboratory as part of a predisposition screen in an ostensibly healthy population. It had not been previously curated by ICSL or reported in the Human Gene Mutation Database (HGMD: prior to June 1st, 2018), and was therefore a candidate for classification through an automated scoring system. Utilizing variant allele frequency, disease prevalence and penetrance estimates, and inheritance mode, an automated score was calculated to assess if this variant is too frequent to cause the disease. Based on the score and internal cut-off values, a variant classified as benign is not then subjected to further curation. The score for this variant resulted in a classification of benign for this disease.

Illumina Laboratory Services, Illumina
Classification: Likely benign for Pyropoikilocytosis, hereditary. Last evaluated: 2018-01-13. Review status: criteria provided, single submitter. Criteria: ICSL Variant Classification Criteria 13 December 2019. Collection method: clinical testing. Allele origin: germline.
Comment: This variant was observed in the ICSL laboratory as part of a predisposition screen in an ostensibly healthy population. It had not been previously curated by ICSL or reported in the Human Gene Mutation Database (HGMD: prior to June 1st, 2018), and was therefore a candidate for classification through an automated scoring system. Utilizing variant allele frequency, disease prevalence and penetrance estimates, and inheritance mode, an automated score was calculated to assess if this variant is too frequent to cause the disease. Based on the score and internal cut-off values, a variant classified as likely benign is not then subjected to further curation. The score for this variant resulted in a classification of likely benign for this disease.

Illumina Laboratory Services, Illumina
Classification: Likely benign for Hereditary spherocytosis type 3. Last evaluated: 2018-01-13. Review status: criteria provided, single submitter. Criteria: ICSL Variant Classification Criteria 13 December 2019. Collection method: clinical testing. Allele origin: germline.
Comment: the same text as in the submission from Illumina Laboratory Services, Illumina above.

Breakthrough Genomics
Classification: Likely benign. Review status: criteria provided, single submitter. Criteria: ACMG Guidelines, 2015. Collection method: not provided. Allele origin: germline. Inheritance: Autosomal recessive inheritance. Affected: yes.

PreventionGenetics, part of Exact Sciences
Classification: Benign. Review status: criteria provided, single submitter. Criteria: ACMG Guidelines, 2015. Collection method: clinical testing. Allele origin: germline.

NM_003126.4(SPTA1):c.3693C>T (p.Asp1231=)

Gene: SPTA1 (spectrin alpha, erythrocytic 1; minus strand). Cytogenetic location: 1q23.1.
Variant type: single nucleotide variant.
Coding change: c.3693C>T on transcript NM_003126.4 (MANE Select); coding-DNA position 3693, C replaced by T.
Protein change: p.Asp1231=; no amino-acid change (aspartic acid 1231 retained).
Molecular consequence: synonymous variant.
Genome position (GRCh38, 1-based): chr1:158,648,530, G>A on the plus strand (C>T on the coding strand, the complement: SPTA1 is on the minus strand). VCF-style: chr1-158648530-G-A. GRCh37 (hg19) VCF-style: chr1-158618320-G-A.
Other names: p.Asp1231=.
Identifiers: ClinVar variation 258931 (VCV000258931.33), dbSNP rs34773716, ClinGen allele CA1182970.